The following is an entry in ClinVar:

ClinVar aggregate classification (germline): Likely benign (1 of 4 stars; one submission).

Allele frequency attached by ClinVar (database versions not stated): gnomAD exomes below 0.00001; TOPMed below 0.00001.
gnomAD v4.1: 1 of 1,613,224 alleles (0.000062%); highest among the groups gnomAD compares: African/African-American, 0.0013%; no homozygotes.

Submission:

CeGaT Center for Human Genetics Tuebingen
Classification: Likely benign. Last evaluated: 2024-03-01. Review status: criteria provided, single submitter. Criteria: CeGaT Center For Human Genetics Tuebingen Variant Classification Criteria Version 2. Collection method: clinical testing. Allele origin: germline. Affected: yes. Observed: 2 variant alleles.
Comment: VPS13B: PM2:Supporting, BP4, BP7

NM_152564.5(VPS13B):c.11019A>G (p.Thr3673=)

Gene: VPS13B (vacuolar protein sorting 13 homolog B; plus strand). Cytogenetic location: 8q22.2.
Variant type: single nucleotide variant.
Coding change: c.11019A>G on transcript NM_152564.5 (MANE Select); coding-DNA position 11019, A replaced by G.
Protein change: p.Thr3673=; no amino-acid change (threonine 3673 retained).
Molecular consequence: synonymous variant.
Genome position (GRCh38, 1-based): chr8:99,859,455, A>G. VCF-style: chr8-99859455-A-G. GRCh37 (hg19) VCF-style: chr8-100871683-A-G.
Other names: c.11094A>G, p.Thr3698= (NM_017890.5).
Identifiers: ClinVar variation 3067605 (VCV003067605.21), dbSNP rs1588794390, ClinGen allele CA462337366.